The following is an entry in ClinVar:

NM_000492.4(CFTR):c.3065T>C (p.Val1022Ala)

Genes: CFTR (CF transmembrane conductance regulator; plus strand), CFTR-AS2 (CFTR antisense RNA 2; minus strand), LOC111674472 (DNase I hypersensitive sites in introns 16 and 17a of CFTR; plus strand). Cytogenetic location: 7q31.2.
Variant type: single nucleotide variant.
Coding change: c.3065T>C on transcript NM_000492.4 (MANE Select); coding-DNA position 3065, T replaced by C.
Protein change: p.Val1022Ala; replaces valine 1022 with alanine.
Molecular consequence: missense variant.
Genome position (GRCh38, 1-based): chr7:117,610,595, T>C. VCF-style: chr7-117610595-T-C. GRCh37 (hg19) VCF-style: chr7-117250649-T-C.
Other names: short protein forms V1022A.
Identifiers: ClinVar variation 1799423 (VCV001799423.5), dbSNP rs2485129044, ClinGen allele CA368990690.

ClinVar aggregate classification (germline): Uncertain significance. Review status: criteria provided, multiple submitters, no conflicts (2 of 4 stars). 2 submissions from 2 submitters: Uncertain significance (2). Last evaluated 2023-12-14.

Conditions:
Cystic fibrosis (CF). Also called: MUCOVISCIDOSIS. Identifiers: Orphanet 586, MedGen C0010674, MONDO:0009061, OMIM 219700. Disease mechanism: loss of function.

Submissions (2):

Labcorp Genetics (formerly Invitae), Labcorp
Classification: Uncertain significance for Cystic fibrosis. Last evaluated: 2023-12-14. Review status: criteria provided, single submitter. Criteria: Invitae Variant Classification Sherloc (09022015). Collection method: clinical testing. Allele origin: germline.
Comment: This sequence change replaces valine, which is neutral and non-polar, with alanine, which is neutral and non-polar, at codon 1022 of the CFTR protein (p.Val1022Ala). This variant is not present in population databases (gnomAD no frequency). This variant has not been reported in the literature in individuals affected with CFTR-related conditions. ClinVar contains an entry for this variant (Variation ID: 1799423). Advanced modeling of protein sequence and biophysical properties (such as structural, functional, and spatial information, amino acid conservation, physicochemical variation, residue mobility, and thermodynamic stability) performed at Invitae indicates that this missense variant is expected to disrupt CFTR protein function with a positive predictive value of 80%. In summary, the available evidence is currently insufficient to determine the role of this variant in disease. Therefore, it has been classified as a Variant of Uncertain Significance.

Ambry Genetics
Classification: Uncertain significance for Cystic fibrosis. Last evaluated: 2021-06-14. Review status: criteria provided, single submitter. Criteria: Ambry Variant Classification Scheme 2023. Collection method: clinical testing. Allele origin: germline.
Comment: The p.V1022A variant (also known as c.3065T>C), located in coding exon 19 of the CFTR gene, results from a T to C substitution at nucleotide position 3065. The valine at codon 1022 is replaced by alanine, an amino acid with similar properties. This amino acid position is not well conserved in available vertebrate species. In addition, the in silico prediction for this alteration is inconclusive. Since supporting evidence is limited at this time, the clinical significance of this alteration remains unclear.